The following is an entry in ClinVar:

NM_001194998.2(CEP152):c.832+4A>G

Gene: CEP152 (centrosomal protein 152; minus strand). Cytogenetic location: 15q21.1.
Variant type: single nucleotide variant.
Coding change: c.832+4A>G on transcript NM_001194998.2 (MANE Select); 4 bases into the intron after coding-DNA position 832, A replaced by G.
Molecular consequence: intron variant.
Genome position (GRCh38, 1-based): chr15:48,793,317, T>C on the plus strand (A>G on the coding strand, the complement: CEP152 is on the minus strand). VCF-style: chr15-48793317-T-C. GRCh37 (hg19) VCF-style: chr15-49085514-T-C.
Other names: c.832+4A>G (NM_014985.4).
Identifiers: ClinVar variation 3627094 (VCV003627094.2).

ClinVar aggregate classification (germline): Uncertain significance (1 of 4 stars; one submission).

gnomAD v4.1: 8 of 1,613,772 alleles (0.0005%); highest among the groups gnomAD compares: African/African-American, 0.0013%; no homozygotes.

Submission:

Labcorp Genetics (formerly Invitae), Labcorp
Classification: Uncertain significance. Last evaluated: 2024-12-31. Review status: criteria provided, single submitter. Criteria: Invitae Variant Classification Sherloc (09022015). Collection method: clinical testing. Allele origin: germline.
Comment: This sequence change falls in intron 7 of the CEP152 gene. It does not directly change the encoded amino acid sequence of the CEP152 protein. It affects a nucleotide within the consensus splice site. This variant is present in population databases (rs761780874, gnomAD 0.007%). This variant has not been reported in the literature in individuals affected with CEP152-related conditions. Variants that disrupt the consensus splice site are a relatively common cause of aberrant splicing (PMID: 17576681, 9536098). Algorithms developed to predict the effect of sequence changes on RNA splicing suggest that this variant is not likely to affect RNA splicing. In summary, the available evidence is currently insufficient to determine the role of this variant in disease. Therefore, it has been classified as a Variant of Uncertain Significance.

Literature cited by the submitters: PubMed 17576681; PubMed 9536098.